The following is an entry in ClinVar:

ClinVar aggregate classification (germline): Pathogenic. Review status: reviewed by expert panel (3 of 4 stars). 3 submissions from 3 submitters: Pathogenic (1). 2 of the submissions do not count toward it. Last evaluated 2016-10-18.

Conditions:
Hereditary breast ovarian cancer syndrome. Also called: Hereditary breast and ovarian cancer; Hereditary breast and ovarian cancer syndrome (HBOC); Hereditary breast and/or ovarian cancer syndrome; Breast and ovarian cancer; Hereditary breast and ovarian cancer syndrome; BRCA1- and BRCA2-Associated Hereditary Breast and Ovarian Cancer. Identifiers: Orphanet 145, MedGen C0677776, MeSH D061325, MONDO:0003582. Disease mechanism: loss of function.
Breast-ovarian cancer, familial, susceptibility to, 2 (BROVCA2). Also called: BRCA2 Hereditary Breast and Ovarian Cancer. Identifiers: Orphanet 145, MedGen C2675520, MONDO:0012933, OMIM 612555. Disease mechanism: loss of function.

Submissions (3):

Evidence-based Network for the Interpretation of Germline Mutant Alleles (ENIGMA)
Classification: Pathogenic for Breast-ovarian cancer, familial, susceptibility to, 2. Last evaluated: 2016-10-18. Review status: reviewed by expert panel. Criteria: ENIGMA BRCA1/2 Classification Criteria (2015). Collection method: curation. Allele origin: germline.
Comment: Variant allele predicted to encode a truncated non-functional protein.

Labcorp Genetics (formerly Invitae), Labcorp
Classification: Pathogenic for Hereditary breast ovarian cancer syndrome. Last evaluated: 2024-05-21. Review status: criteria provided, single submitter. Criteria: Invitae Variant Classification Sherloc (09022015). Collection method: clinical testing. Allele origin: germline. Not counted in ClinVar's aggregate classification.
Comment: This sequence change creates a premature translational stop signal (p.Ala736Glnfs*36) in the BRCA2 gene. It is expected to result in an absent or disrupted protein product. Loss-of-function variants in BRCA2 are known to be pathogenic (PMID: 20104584). This variant is not present in population databases (gnomAD no frequency). This variant has not been reported in the literature in individuals affected with BRCA2-related conditions. ClinVar contains an entry for this variant (Variation ID: 266684). For these reasons, this variant has been classified as Pathogenic.

Consortium of Investigators of Modifiers of BRCA1/2 (CIMBA), c/o University of Cambridge
Classification: Pathogenic for Breast-ovarian cancer, familial, susceptibility to, 2. Last evaluated: 2015-10-02. Review status: criteria provided, single submitter. Criteria: CIMBA Mutation Classification guidelines May 2016. Collection method: clinical testing. Allele origin: germline. Not counted in ClinVar's aggregate classification.

Literature cited by the submitters: PubMed 20104584 (cited by Labcorp Genetics (formerly Invitae), Labcorp).

NM_000059.4(BRCA2):c.2206del (p.Ala736fs)

Gene: BRCA2 (BRCA2 DNA repair associated; plus strand). Cytogenetic location: 13q13.1.
Variant type: Deletion.
Coding change: c.2206del on transcript NM_000059.4 (MANE Select); coding-DNA position 2206, one base deleted (G; older notation c.2206delG).
Protein change: p.Ala736fs; shifts the reading frame from alanine 736.
Molecular consequence: frameshift variant.
Genome position (GRCh38, 1-based): chr13:32,336,561, G deleted. VCF-style (leftmost placement, unchanged base first): chr13-32336560-TG-T. GRCh37 (hg19) VCF-style: chr13-32910697-TG-T.
Other names: 2434delG; short protein forms A736fs.
Identifiers: ClinVar variation 266684 (VCV000266684.7), dbSNP rs886040411, ClinGen allele CA10589141.